The following is an entry in ClinVar:

NM_006767.4(LZTR1):c.2407-1G>A

Gene: LZTR1 (leucine zipper like post translational regulator 1; plus strand). Cytogenetic location: 22q11.21.
Variant type: single nucleotide variant.
Coding change: c.2407-1G>A on transcript NM_006767.4 (MANE Select); the canonical splice acceptor site of the intron before coding-DNA position 2407, G replaced by A.
Molecular consequence: splice acceptor variant.
Genome position (GRCh38, 1-based): chr22:20,997,231, G>A. VCF-style: chr22-20997231-G-A. GRCh37 (hg19) VCF-style: chr22-21351520-G-A.
Other names: c.2407-1G>A (NM_006767.3).
Identifiers: ClinVar variation 1426536 (VCV001426536.9), dbSNP rs200897030, ClinGen allele CA10119453.
Genomic context (GRCh38, chr22:20,997,231, plus strand): 5'-TGCCCACCATGGCCCTTAGGTGGATCTGGTCCCATCTCCTTCCGGCCTGCTTGCCTTACA[G>A]GTCTCCAAGTTGCCCACCCTGCGGTCGCTGAGCCAGCAGCTGCTGCTGGACATCATAGAC-3'

ClinVar aggregate classification (germline): Conflicting classifications of pathogenicity. Review status: criteria provided, conflicting classifications (1 of 4 stars). 4 submissions from 4 submitters: Pathogenic (1); Likely pathogenic (1); Uncertain significance (2). Last evaluated 2025-05-23.

Conditions:
Cardiovascular phenotype. Identifiers: MedGen CN230736.
Hereditary cancer-predisposing syndrome. Also called: Tumor predisposition; Hereditary neoplastic syndrome; Neoplastic Syndromes, Hereditary; Hereditary Cancer Syndrome. Identifiers: Orphanet 140162, MedGen C0027672, MeSH D009386, MONDO:0015356.
LZTR1-related schwannomatosis. Also called: Schwannomatosis 2; Schwannomatosis-2, susceptibility to. Identifiers: Orphanet 93921, MedGen C3810283, MONDO:0014299, OMIM 615670.

Allele frequency attached by ClinVar (database versions not stated): ExAC 0.00002; gnomAD exomes 0.00002.
gnomAD v4.1: 13 of 1,604,690 alleles (0.00081%); highest among the groups gnomAD compares: Admixed American, 0.005%; no homozygotes.

Submissions (4):

Ambry Genetics
Classification: Uncertain significance for Cardiovascular phenotype; Hereditary cancer-predisposing syndrome. Last evaluated: 2025-05-23. Review status: criteria provided, single submitter. Criteria: Ambry Variant Classification Scheme 2023. Collection method: clinical testing. Allele origin: germline.
Comment: The c.2407-1G>A intronic variant results from a G to A substitution one nucleotide upstream from coding exon 21 of the LZTR1 gene. Alterations that disrupt the canonical splice site are expected to result in aberrant splicing. In silico splice site analysis predicts that this alteration will weaken the native splice acceptor site and will result in the creation or strengthening of a novel splice acceptor site. A resulting transcript is predicted to be in-frame and is not expected to trigger nonsense-mediated mRNAdecay; although, direct evidence is unavailable. This nucleotide position is highly conserved in available vertebrate species. Based on the available evidence, the clinical significance of this variant remains unclear.

Labcorp Genetics (formerly Invitae), Labcorp
Classification: Pathogenic. Last evaluated: 2025-02-19. Review status: criteria provided, single submitter. Criteria: Invitae Variant Classification Sherloc (09022015). Collection method: clinical testing. Allele origin: germline.
Comment: This sequence change affects an acceptor splice site in intron 20 of the LZTR1 gene. While this variant is not anticipated to result in nonsense mediated decay, it likely alters RNA splicing and results in a disrupted protein product. This variant is present in population databases (rs200897030, gnomAD 0.02%). Disruption of this splice site has been observed in individual(s) with LZTR1-related conditions (PMID: 29409008, 29469822, 35979676). In at least one individual the data is consistent with being in trans (on the opposite chromosome) from a pathogenic variant. It has also been observed to segregate with disease in related individuals. ClinVar contains an entry for this variant (Variation ID: 1426536). Variants that disrupt the consensus splice site are a relatively common cause of aberrant splicing (PMID: 17576681, 9536098). Algorithms developed to predict the effect of sequence changes on RNA splicing suggest that this variant may disrupt the consensus splice site. For these reasons, this variant has been classified as Pathogenic.

Baylor Genetics
Classification: Likely pathogenic for LZTR1-related schwannomatosis. Last evaluated: 2024-01-09. Review status: criteria provided, single submitter. Criteria: ACMG Guidelines, 2015. Collection method: clinical testing. Allele origin: unknown.

Blueprint Genetics
Classification: Uncertain significance. Last evaluated: 2023-11-23. Review status: criteria provided, single submitter. Criteria: ACMG Guidelines, 2015. Collection method: clinical testing. Allele origin: germline.

Literature cited by the submitters: PubMed 29409008 (cited by Labcorp Genetics (formerly Invitae), Labcorp); PubMed 29469822 (cited by Labcorp Genetics (formerly Invitae), Labcorp); PubMed 35979676 (cited by Labcorp Genetics (formerly Invitae), Labcorp); PubMed 17576681 (cited by Labcorp Genetics (formerly Invitae), Labcorp); PubMed 9536098 (cited by Labcorp Genetics (formerly Invitae), Labcorp).